The following is an entry in ClinVar:

ClinVar aggregate classification (germline): Uncertain significance (1 of 4 stars; one submission).

Conditions:
Adams-Oliver syndrome 5 (AOS5). Identifiers: Orphanet 974, MedGen C4014970, MONDO:0014459, OMIM 616028.

Submission:

Labcorp Genetics (formerly Invitae), Labcorp
Classification: Uncertain significance for Adams-Oliver syndrome 5. Last evaluated: 2021-02-01. Review status: criteria provided, single submitter. Criteria: Invitae Variant Classification Sherloc (09022015). Collection method: clinical testing. Allele origin: germline.
Comment: In summary, the available evidence is currently insufficient to determine the role of this variant in disease. Therefore, it has been classified as a Variant of Uncertain Significance. Advanced modeling of protein sequence and biophysical properties (such as structural, functional, and spatial information, amino acid conservation, physicochemical variation, residue mobility, and thermodynamic stability) performed at Invitae indicates that this missense variant is not expected to disrupt NOTCH1 protein function. This variant has not been reported in the literature in individuals with NOTCH1-related conditions. This variant is not present in population databases (ExAC no frequency). This sequence change replaces alanine with threonine at codon 1701 of the NOTCH1 protein (p.Ala1701Thr). The alanine residue is highly conserved and there is a small physicochemical difference between alanine and threonine.

NM_017617.5(NOTCH1):c.5101G>A (p.Ala1701Thr)

Gene: NOTCH1 (notch receptor 1; minus strand). Cytogenetic location: 9q34.3.
Variant type: single nucleotide variant.
Coding change: c.5101G>A on transcript NM_017617.5 (MANE Select); coding-DNA position 5101, G replaced by A.
Protein change: p.Ala1701Thr; replaces alanine 1701 with threonine.
Molecular consequence: missense variant.
Genome position (GRCh38, 1-based): chr9:136,503,248, C>T on the plus strand (G>A on the coding strand, the complement: NOTCH1 is on the minus strand). VCF-style: chr9-136503248-C-T. GRCh37 (hg19) VCF-style: chr9-139397700-C-T.
Other names: short protein forms A1701T.
Identifiers: ClinVar variation 1368609 (VCV001368609.8), dbSNP rs1443819558, ClinGen allele CA375642183.
Genomic context (GRCh38, chr9:136,503,248, plus strand): 5'-CGGCCTCGATCTTGTAGGGGATGTTGAGGCTGCCCAGCGAGGCGAGCGCTCCCAGGAATG[C>T]GGCCACGTCGGTGGCACTCTGGAAGCACTGCGAGGAGGCCTGCACACACTGCCGGTTGTC-3'
Protein context (NP_060087.3, residues 1691-1711): QCFQSATDVA[Ala1701Thr]FLGALASLGS